The following is an entry in ClinVar:

ClinVar aggregate classification (germline): Uncertain significance (1 of 4 stars; one submission).

Conditions:
X-linked severe combined immunodeficiency (SCIDX1). Also called: IMMUNODEFICIENCY 4; SCID, X-LINKED; SEVERE COMBINED IMMUNODEFICIENCY, X-LINKED, T CELL-NEGATIVE, B CELL-POSITIVE, NK CELL-NEGATIVE; X-Linked Combined Immunodeficiency Diseases; T-B+ severe combined immunodeficiency due to gamma chain deficiency. Identifiers: Orphanet 276, MedGen C6022468, MONDO:0010315, OMIM 300400. Disease mechanism: loss of function.

Submission:

Labcorp Genetics (formerly Invitae), Labcorp
Classification: Uncertain significance for X-linked severe combined immunodeficiency. Last evaluated: 2025-05-21. Review status: criteria provided, single submitter. Criteria: Invitae Variant Classification Sherloc (09022015). Collection method: clinical testing. Allele origin: germline.
Comment: This sequence change replaces proline, which is neutral and non-polar, with leucine, which is neutral and non-polar, at codon 82 of the IL2RG protein (p.Pro82Leu). This variant is not present in population databases (gnomAD no frequency). This variant has not been reported in the literature in individuals affected with IL2RG-related conditions. Invitae Evidence Modeling of protein sequence and biophysical properties (such as structural, functional, and spatial information, amino acid conservation, physicochemical variation, residue mobility, and thermodynamic stability) indicates that this missense variant is not expected to disrupt IL2RG protein function with a negative predictive value of 95%. In summary, the available evidence is currently insufficient to determine the role of this variant in disease. Therefore, it has been classified as a Variant of Uncertain Significance.

NM_000206.3(IL2RG):c.245C>T (p.Pro82Leu)

Gene: IL2RG (interleukin 2 receptor subunit gamma; minus strand). Cytogenetic location: Xq13.1.
Variant type: single nucleotide variant.
Coding change: c.245C>T on transcript NM_000206.3 (MANE Select); coding-DNA position 245, C replaced by T.
Protein change: p.Pro82Leu; replaces proline 82 with leucine.
Molecular consequence: missense variant.
Genome position (GRCh38, 1-based): chrX:71,110,921, G>A on the plus strand (C>T on the coding strand, the complement: IL2RG is on the minus strand). VCF-style: chrX-71110921-G-A. GRCh37 (hg19) VCF-style: chrX-70330771-G-A.
Other names: c.245C>T, p.Pro82Leu (NM_001438870.1); short protein forms P82L.
Identifiers: ClinVar variation 4709751 (VCV004709751.1).